The following is an entry in ClinVar:

NM_001287.6(CLCN7):c.1857G>A (p.Pro619=)

Gene: CLCN7 (Cl-/H+ antiporter 7; minus strand). Cytogenetic location: 16p13.3.
Variant type: single nucleotide variant.
Coding change: c.1857G>A on transcript NM_001287.6 (MANE Select); coding-DNA position 1857, G replaced by A.
Protein change: p.Pro619=; no amino-acid change (proline 619 retained).
Molecular consequence: synonymous variant.
Genome position (GRCh38, 1-based): chr16:1,448,707, C>T on the plus strand (G>A on the coding strand, the complement: CLCN7 is on the minus strand). VCF-style: chr16-1448707-C-T. GRCh37 (hg19) VCF-style: chr16-1498708-C-T.
Other names: c.1785G>A, p.Pro595= (NM_001114331.3).
Identifiers: ClinVar variation 789645 (VCV000789645.16), dbSNP rs139826207, ClinGen allele CA7810035.

ClinVar aggregate classification (germline): Benign/Likely benign. Review status: criteria provided, multiple submitters, no conflicts (2 of 4 stars). 4 submissions from 4 submitters: Benign (3); Likely benign (1). Last evaluated 2026-01-18.

Conditions:
Osteopetrosis. Identifiers: Orphanet 2781, MedGen C0029454, MONDO:0017198, HP:0011002.

Allele frequency attached by ClinVar (database versions not stated): gnomAD exomes 0.00031 and 0.00084; ExAC 0.00116; gnomAD 0.00318 and 0.00342; 1000 Genomes Project 30x 0.00468; TOPMed 0.00360; ESP Exome Variant Server 0.00400; 1000 Genomes Project 0.00439.
gnomAD v4.1: 939 of 1,612,614 alleles (0.058%); highest among the groups gnomAD compares: African/African-American, 1.1%; 6 homozygotes.

Submissions (4):

Labcorp Genetics (formerly Invitae), Labcorp
Classification: Benign. Last evaluated: 2026-01-18. Review status: criteria provided, single submitter. Criteria: Invitae Variant Classification Sherloc (09022015). Collection method: clinical testing. Allele origin: germline.

Blueprint Genetics
Classification: Likely benign. Last evaluated: 2024-08-23. Review status: criteria provided, single submitter. Criteria: ACMG Guidelines, 2015. Collection method: clinical testing. Allele origin: germline.

Illumina Laboratory Services, Illumina
Classification: Benign for Osteopetrosis. Last evaluated: 2018-01-13. Review status: criteria provided, single submitter. Criteria: ICSL Variant Classification Criteria 13 December 2019. Collection method: clinical testing. Allele origin: germline.
Comment: This variant was observed in the ICSL laboratory as part of a predisposition screen in an ostensibly healthy population. It had not been previously curated by ICSL or reported in the Human Gene Mutation Database (HGMD: prior to June 1st, 2018), and was therefore a candidate for classification through an automated scoring system. Utilizing variant allele frequency, disease prevalence and penetrance estimates, and inheritance mode, an automated score was calculated to assess if this variant is too frequent to cause the disease. Based on the score and internal cut-off values, a variant classified as benign is not then subjected to further curation. The score for this variant resulted in a classification of benign for this disease.

Breakthrough Genomics
Classification: Benign. Review status: criteria provided, single submitter. Criteria: ACMG Guidelines, 2015. Collection method: not provided. Allele origin: germline. Inheritance: Autosomal recessive inheritance. Affected: yes.